The following is an entry in ClinVar:

NM_025137.4(SPG11):c.5695C>T (p.Arg1899Trp)

Gene: SPG11 (SPG11 vesicle trafficking associated, spatacsin; minus strand). Cytogenetic location: 15q21.1.
Variant type: single nucleotide variant.
Coding change: c.5695C>T on transcript NM_025137.4 (MANE Select); coding-DNA position 5695, C replaced by T.
Protein change: p.Arg1899Trp; replaces arginine 1899 with tryptophan.
Molecular consequence: missense variant.
Genome position (GRCh38, 1-based): chr15:44,583,985, G>A on the plus strand (C>T on the coding strand, the complement: SPG11 is on the minus strand). VCF-style: chr15-44583985-G-A. GRCh37 (hg19) VCF-style: chr15-44876183-G-A.
Other names: c.5695C>T, p.Arg1899Trp (NM_001160227.2); short protein forms R1899W.
Identifiers: ClinVar variation 466544 (VCV000466544.8), dbSNP rs748177028, ClinGen allele CA7534366.
Genomic context (GRCh38, chr15:44,583,985, plus strand): 5'-AGGCCAGTGCTCTGCAGTGCAATACCAAGGCGACATCTGGATTATAAAAATGAAAATACC[G>A]GCATACTCTACTTGCTTCATGCACACAGCCATCATCCAGTAGGCGCCCAATCAAAAAGTT-3'
Protein context (NP_079413.3, residues 1889-1909): GCVHEASRVC[Arg1899Trp]YFHFYNPDVA

ClinVar aggregate classification (germline): Uncertain significance. Review status: criteria provided, multiple submitters, no conflicts (2 of 4 stars). 5 submissions from 3 submitters: Uncertain significance (5). Last evaluated 2022-08-08.

Conditions:
Hereditary spastic paraplegia. Also called: Familial spastic paraparesis. Identifiers: Orphanet 685, MedGen C0037773, MONDO:0019064. Disease mechanism: loss of function.
Hereditary spastic paraplegia 11. Also called: SPASTIC PARAPLEGIA, AUTOSOMAL RECESSIVE, COMPLICATED, WITH THIN CORPUS CALLOSUM; SPASTIC PARAPLEGIA, AUTOSOMAL RECESSIVE, WITH MENTAL IMPAIRMENT AND THIN CORPUS CALLOSUM; Nakamura Osame syndrome; Autosomal recessive hereditary spastic paraplegia, mental impairment, and thin corpus callosum; Spastic paraplegia, mental retardation and thin corpus callosum; Spastic Paraplegia 11. Identifiers: Orphanet 2822, MedGen C1858479, MONDO:0011445, OMIM 604360.
Charcot-Marie-Tooth disease axonal type 2X. Also called: CHARCOT-MARIE-TOOTH DISEASE, AXONAL, AUTOSOMAL RECESSIVE, TYPE 2X; CHARCOT-MARIE-TOOTH NEUROPATHY, TYPE 2X. Identifiers: Orphanet 466775, MedGen C5569024, MONDO:0014726, OMIM 616668.
Amyotrophic lateral sclerosis type 5 (ALS5). Also called: AMYOTROPHIC LATERAL SCLEROSIS 5, JUVENILE. Identifiers: Orphanet 300605, MedGen C1865864, MONDO:0011196, OMIM 602099.

Allele frequency attached by ClinVar (database versions not stated): ExAC 0.00002; gnomAD 0.00003; gnomAD exomes 0.00003; TOPMed 0.00005.
gnomAD v4.1: 54 of 1,613,992 alleles (0.0033%); highest among the groups gnomAD compares: Admixed American, 0.0083%; no homozygotes.

Submissions (5):

Labcorp Genetics (formerly Invitae), Labcorp
Classification: Uncertain significance for Hereditary spastic paraplegia 11. Last evaluated: 2022-08-08. Review status: criteria provided, single submitter. Criteria: Invitae Variant Classification Sherloc (09022015). Collection method: clinical testing. Allele origin: germline.
Comment: This sequence change replaces arginine, which is basic and polar, with tryptophan, which is neutral and slightly polar, at codon 1899 of the SPG11 protein (p.Arg1899Trp). This variant is present in population databases (rs748177028, gnomAD 0.006%). This variant has not been reported in the literature in individuals affected with SPG11-related conditions. ClinVar contains an entry for this variant (Variation ID: 466544). Algorithms developed to predict the effect of missense changes on protein structure and function are either unavailable or do not agree on the potential impact of this missense change (SIFT: "Deleterious"; PolyPhen-2: "Benign"; Align-GVGD: "Class C25"). In summary, the available evidence is currently insufficient to determine the role of this variant in disease. Therefore, it has been classified as a Variant of Uncertain Significance.

Genome Diagnostics Laboratory, The Hospital for Sick Children
Classification: Uncertain significance for Hereditary spastic paraplegia. Last evaluated: 2019-02-01. Review status: criteria provided, single submitter. Criteria: ACMG Guidelines, 2015. Collection method: clinical testing. Allele origin: germline. Affected: yes.

Genome-Nilou Lab
Classification: Uncertain significance for Amyotrophic lateral sclerosis type 5. Review status: criteria provided, single submitter. Criteria: ACMG Guidelines, 2015. Collection method: clinical testing. Allele origin: germline.

Genome-Nilou Lab
Classification: Uncertain significance for Charcot-Marie-Tooth disease axonal type 2X. Review status: criteria provided, single submitter. Criteria: ACMG Guidelines, 2015. Collection method: clinical testing. Allele origin: germline.

Genome-Nilou Lab
Classification: Uncertain significance for Hereditary spastic paraplegia 11. Review status: criteria provided, single submitter. Criteria: ACMG Guidelines, 2015. Collection method: clinical testing. Allele origin: germline.